The following is an entry in ClinVar:

NM_014989.7(RIMS1):c.4222C>A (p.Leu1408Met)

Gene: RIMS1 (regulating synaptic membrane exocytosis 1; plus strand). Cytogenetic location: 6q13.
Variant type: single nucleotide variant.
Coding change: c.4222C>A on transcript NM_014989.7 (MANE Select); coding-DNA position 4222, C replaced by A.
Protein change: p.Leu1408Met; replaces leucine 1408 with methionine.
Molecular consequence: missense variant. On other transcripts: intron variant (24).
Genome position (GRCh38, 1-based): chr6:72,333,691, C>A. VCF-style: chr6-72333691-C-A. GRCh37 (hg19) VCF-style: chr6-73043394-C-A.
Other names: c.1714C>A, p.Leu572Met (NM_001350468.2); c.1942C>A, p.Leu648Met (NM_001350469.2); c.2023C>A, p.Leu675Met (NM_001350471.2); c.1915C>A, p.Leu639Met (NM_001350474.2); c.1810+41645C>A (NM_001350422.2); c.1738+41645C>A (NM_001350427.2); c.1720+41645C>A (NM_001350449.2); c.1648+41645C>A (NM_001350432.2); and 53 more; short protein forms L624M, L625M, L638M, L639M, L648M, L675M, L704M, L708M.
Identifiers: ClinVar variation 3653383 (VCV003653383.2).

ClinVar aggregate classification (germline): Uncertain significance (1 of 4 stars; one submission).

Submission:

Labcorp Genetics (formerly Invitae), Labcorp
Classification: Uncertain significance. Last evaluated: 2024-05-14. Review status: criteria provided, single submitter. Criteria: Invitae Variant Classification Sherloc (09022015). Collection method: clinical testing. Allele origin: germline.
Comment: This sequence change replaces leucine, which is neutral and non-polar, with methionine, which is neutral and non-polar, at codon 1408 of the RIMS1 protein (p.Leu1408Met). The frequency data for this variant in the population databases is considered unreliable, as metrics indicate poor data quality at this position in the gnomAD database. This variant has not been reported in the literature in individuals affected with RIMS1-related conditions. An algorithm developed to predict the effect of missense changes on protein structure and function (PolyPhen-2) suggests that this variant is likely to be disruptive. In summary, the available evidence is currently insufficient to determine the role of this variant in disease. Therefore, it has been classified as a Variant of Uncertain Significance.